The following is an entry in ClinVar:

NM_015215.4(CAMTA1):c.4183G>T (p.Val1395Leu)

Gene: CAMTA1 (calmodulin binding transcription activator 1; plus strand). Cytogenetic location: 1p36.23.
Variant type: single nucleotide variant.
Coding change: c.4183G>T on transcript NM_015215.4 (MANE Select); coding-DNA position 4183, G replaced by T.
Protein change: p.Val1395Leu; replaces valine 1395 with leucine.
Molecular consequence: missense variant.
Genome position (GRCh38, 1-based): chr1:7,744,835, G>T. VCF-style: chr1-7744835-G-T. GRCh37 (hg19) VCF-style: chr1-7804895-G-T.
Other names: c.1312G>T, p.Val438Leu (NM_001349613.1); c.1255G>T, p.Val419Leu (NM_001349614.1, NM_001349615.2, NM_001349616.2 and 2 more transcripts); c.916G>T, p.Val306Leu (NM_001349619.2, NM_001349620.1, NM_001349621.1 and 5 more transcripts); c.3844G>T, p.Val1282Leu (NM_001410737.1, NM_001349609.2, NM_001349610.2); c.3772G>T, p.Val1258Leu (NM_001410738.1); c.4093G>T, p.Val1365Leu (NM_001349608.2); c.3754G>T, p.Val1252Leu (NM_001349612.2); short protein forms V1252L, V1258L, V1282L, V1365L, V1395L, V306L, V419L, V438L.
Identifiers: ClinVar variation 4527351 (VCV004527351.1).
Genomic context (GRCh38, chr1:7,744,835, plus strand): 5'-ACCTGGATAACTTGTAAGGTTCCTTTCTAACCTGAGTGTTCTGTGAACTTCTGACTTCAG[G>T]TGAACATGATGACCTTGGCAGAACACATTATTGAAGCCACACCTGACCGAATCAAGCAGG-3'
Protein context (NP_056030.1, residues 1385-1405): ECGQPMDDIQ[Val1395Leu]NMMTLAEHII

ClinVar aggregate classification (germline): Uncertain significance (1 of 4 stars; one submission).

Submission:

GeneDx
Classification: Uncertain significance. Last evaluated: 2025-04-25. Review status: criteria provided, single submitter. Criteria: GeneDx Variant Classification Process June 2021. Collection method: clinical testing. Allele origin: germline. Affected: yes.
Comment: Not observed at significant frequency in large population cohorts (gnomAD); In silico analysis indicates that this missense variant does not alter protein structure/function; In silico analysis suggests this variant may impact gene splicing. In the absence of RNA/functional studies, the actual effect of this sequence change is unknown.; Has not been previously published as pathogenic or benign to our knowledge